The following is an entry in ClinVar:

NM_005235.3(ERBB4):c.526A>C (p.Thr176Pro)

Gene: ERBB4 (erb-b2 receptor tyrosine kinase 4; minus strand). Cytogenetic location: 2q34.
Variant type: single nucleotide variant.
Coding change: c.526A>C on transcript NM_005235.3 (MANE Select); coding-DNA position 526, A replaced by C.
Protein change: p.Thr176Pro; replaces threonine 176 with proline.
Molecular consequence: missense variant.
Genome position (GRCh38, 1-based): chr2:211,788,055, T>G on the plus strand (A>C on the coding strand, the complement: ERBB4 is on the minus strand). VCF-style: chr2-211788055-T-G. GRCh37 (hg19) VCF-style: chr2-212652780-T-G.
Other names: c.526A>C, p.Thr176Pro (NM_001042599.2); short protein forms T176P.
Identifiers: ClinVar variation 3674092 (VCV003674092.2).

ClinVar aggregate classification (germline): Uncertain significance (1 of 4 stars; one submission).

gnomAD v4.1: 6 of 1,613,322 alleles (0.00037%); highest among the groups gnomAD compares: Non-Finnish European, 0.00051%; no homozygotes.

Submission:

Labcorp Genetics (formerly Invitae), Labcorp
Classification: Uncertain significance. Last evaluated: 2024-06-19. Review status: criteria provided, single submitter. Criteria: Invitae Variant Classification Sherloc (09022015). Collection method: clinical testing. Allele origin: germline.
Comment: This sequence change replaces threonine, which is neutral and polar, with proline, which is neutral and non-polar, at codon 176 of the ERBB4 protein (p.Thr176Pro). This variant is not present in population databases (gnomAD no frequency). This variant has not been reported in the literature in individuals affected with ERBB4-related conditions. Advanced modeling of protein sequence and biophysical properties (such as structural, functional, and spatial information, amino acid conservation, physicochemical variation, residue mobility, and thermodynamic stability) performed at Invitae indicates that this missense variant is not expected to disrupt ERBB4 protein function with a negative predictive value of 80%. In summary, the available evidence is currently insufficient to determine the role of this variant in disease. Therefore, it has been classified as a Variant of Uncertain Significance.